The following is an entry in ClinVar:

NM_004415.4(DSP):c.3775A>G (p.Ser1259Gly)

Gene: DSP (desmoplakin; plus strand). Cytogenetic location: 6p24.3.
Variant type: single nucleotide variant.
Coding change: c.3775A>G on transcript NM_004415.4 (MANE Select); coding-DNA position 3775, A replaced by G.
Protein change: p.Ser1259Gly; replaces serine 1259 with glycine.
Molecular consequence: missense variant. On other transcripts: intron variant (1).
Genome position (GRCh38, 1-based): chr6:7,579,965, A>G. VCF-style: chr6-7579965-A-G. GRCh37 (hg19) VCF-style: chr6-7580198-A-G.
Other names: c.3775A>G (NM_004415.2); c.3775A>G, p.Ser1259Gly (NM_001319034.2); c.3582+193A>G (NM_001008844.3); short protein forms S1259G.
Identifiers: ClinVar variation 1369996 (VCV001369996.9), dbSNP rs770172294, ClinGen allele CA039000.
Genomic context (GRCh38, chr6:7,579,965, plus strand): 5'-CTTGATAGACTTTCAAGGGAAAATCGAGATCTGAAGGATGAAATTGTCAGGCTCAATGAC[A>G]GCATCTTGCAGGCCACTGAGCAGCGAAGGCGAGCTGAAGAAAACGCCCTTCAGCAAAAGG-3'
Protein context (NP_004406.2, residues 1249-1269): LKDEIVRLND[Ser1259Gly]ILQATEQRRR

ClinVar aggregate classification (germline): Uncertain significance. Review status: criteria provided, multiple submitters, no conflicts (2 of 4 stars). 2 submissions from 2 submitters: Uncertain significance (2). Last evaluated 2025-04-07.

Conditions:
Cardiovascular phenotype. Identifiers: MedGen CN230736.
Arrhythmogenic cardiomyopathy with wooly hair and keratoderma. Also called: Carvajal syndrome; Dilated cardiomyopathy with woolly hair and keratoderma; PALMOPLANTAR KERATODERMA WITH LEFT VENTRICULAR CARDIOMYOPATHY AND WOOLLY HAIR; Arrhythmogenic cardiomyopathy with woolly hair and keratoderma. Identifiers: Orphanet 65282, MedGen C1854063, MONDO:0011581, OMIM 605676.
Arrhythmogenic right ventricular dysplasia 8 (ARVD8). Also called: Arrhythmogenic Right Ventricular Dysplasia/Cardiomyopathy 8; ARRHYTHMOGENIC RIGHT VENTRICULAR DYSPLASIA, FAMILIAL, 8; ARRHYTHMOGENIC RIGHT VENTRICULAR CARDIOMYOPATHY 8. Identifiers: MedGen C1843896, MONDO:0011831, OMIM 607450.

Allele frequency attached by ClinVar (database versions not stated): gnomAD exomes below 0.00001; ExAC 0.00001.
gnomAD v4.1: 2 of 1,614,220 alleles (0.00012%); highest among the groups gnomAD compares: Non-Finnish European, 0.00017%; no homozygotes.

Submissions (2):

Ambry Genetics
Classification: Uncertain significance for Cardiovascular phenotype. Last evaluated: 2025-04-07. Review status: criteria provided, single submitter. Criteria: Ambry Variant Classification Scheme 2023. Collection method: clinical testing. Allele origin: germline.
Comment: The p.S1259G variant (also known as c.3775A>G), located in coding exon 23 of the DSP gene, results from an A to G substitution at nucleotide position 3775. The serine at codon 1259 is replaced by glycine, an amino acid with similar properties. This amino acid position is conserved. In addition, this alteration is predicted to be tolerated by in silico analysis. Based on the available evidence, the clinical significance of this variant remains unclear.

Labcorp Genetics (formerly Invitae), Labcorp
Classification: Uncertain significance for Arrhythmogenic cardiomyopathy with wooly hair and keratoderma; Arrhythmogenic right ventricular dysplasia 8. Last evaluated: 2024-08-13. Review status: criteria provided, single submitter. Criteria: Invitae Variant Classification Sherloc (09022015). Collection method: clinical testing. Allele origin: germline.
Comment: This sequence change replaces serine, which is neutral and polar, with glycine, which is neutral and non-polar, at codon 1259 of the DSP protein (p.Ser1259Gly). This variant is present in population databases (rs770172294, gnomAD 0.0009%). This variant has not been reported in the literature in individuals affected with DSP-related conditions. ClinVar contains an entry for this variant (Variation ID: 1369996). An algorithm developed to predict the effect of missense changes on protein structure and function outputs the following: PolyPhen-2: "Benign". The glycine amino acid residue is found in multiple mammalian species, which suggests that this missense change does not adversely affect protein function. In summary, the available evidence is currently insufficient to determine the role of this variant in disease. Therefore, it has been classified as a Variant of Uncertain Significance.